The following is an entry in ClinVar:

ClinVar aggregate classification (germline): Uncertain significance (1 of 4 stars; one submission).

Submission:

Labcorp Genetics (formerly Invitae), Labcorp
Classification: Uncertain significance. Last evaluated: 2024-10-12. Review status: criteria provided, single submitter. Criteria: Invitae Variant Classification Sherloc (09022015). Collection method: clinical testing. Allele origin: germline.
Comment: This sequence change replaces arginine, which is basic and polar, with glycine, which is neutral and non-polar, at codon 1507 of the C3 protein (p.Arg1507Gly). This variant is not present in population databases (gnomAD no frequency). This variant has not been reported in the literature in individuals affected with C3-related conditions. Invitae Evidence Modeling of protein sequence and biophysical properties (such as structural, functional, and spatial information, amino acid conservation, physicochemical variation, residue mobility, and thermodynamic stability) indicates that this missense variant is not expected to disrupt C3 protein function with a negative predictive value of 80%. In summary, the available evidence is currently insufficient to determine the role of this variant in disease. Therefore, it has been classified as a Variant of Uncertain Significance.

NM_000064.4(C3):c.4519C>G (p.Arg1507Gly)

Gene: C3 (complement C3; minus strand). Cytogenetic location: 19p13.3.
Variant type: single nucleotide variant.
Coding change: c.4519C>G on transcript NM_000064.4 (MANE Select); coding-DNA position 4519, C replaced by G.
Protein change: p.Arg1507Gly; replaces arginine 1507 with glycine.
Molecular consequence: missense variant.
Genome position (GRCh38, 1-based): chr19:6,679,434, G>C on the plus strand (C>G on the coding strand, the complement: C3 is on the minus strand). VCF-style: chr19-6679434-G-C. GRCh37 (hg19) VCF-style: chr19-6679445-G-C.
Other names: short protein forms R1507G.
Identifiers: ClinVar variation 3682900 (VCV003682900.2).